The following is an entry in ClinVar:

ClinVar aggregate classification (germline): Uncertain significance (1 of 4 stars; one submission).

Allele frequency attached by ClinVar (database versions not stated): gnomAD exomes below 0.00001; TOPMed below 0.00001; gnomAD 0.00001; ExAC 0.00002.
gnomAD v4.1: 3 of 1,613,792 alleles (0.00019%); highest among the groups gnomAD compares: Admixed American, 0.0017%; no homozygotes.

Submission:

GeneDx
Classification: Uncertain significance. Last evaluated: 2022-03-02. Review status: criteria provided, single submitter. Criteria: GeneDx Variant Classification Process June 2021. Collection method: clinical testing. Allele origin: germline. Affected: yes.
Comment: In silico analysis supports that this missense variant has a deleterious effect on protein structure/function; Has not been previously published as pathogenic or benign to our knowledge

NM_020366.4(RPGRIP1):c.1967A>G (p.Tyr656Cys)

Gene: RPGRIP1 (RPGR interacting protein 1; plus strand). Cytogenetic location: 14q11.2.
Variant type: single nucleotide variant.
Coding change: c.1967A>G on transcript NM_020366.4 (MANE Select); coding-DNA position 1967, A replaced by G.
Protein change: p.Tyr656Cys; replaces tyrosine 656 with cysteine.
Molecular consequence: missense variant. On other transcripts: intron variant (4).
Genome position (GRCh38, 1-based): chr14:21,324,822, A>G. VCF-style: chr14-21324822-A-G. GRCh37 (hg19) VCF-style: chr14-21792981-A-G.
Other names: c.893A>G, p.Tyr298Cys (NM_001377948.1); c.796+97A>G (NM_001377949.1); c.689-2801A>G (NM_001377523.1, NM_001377950.1); c.191-2801A>G (NM_001377951.1); short protein forms Y298C, Y656C.
Identifiers: ClinVar variation 1703880 (VCV001703880.2), dbSNP rs748493769, ClinGen allele CA7089131.
Genomic context (GRCh38, chr14:21,324,822, plus strand): 5'-TCCTGACATCTGCCGCCCTAGCTCAGGCTGGAGATACCCAACCTACCACTTTCTGCACCT[A>G]TTCCTTCTATGACTTTGAAACCCACTGTACCCCATTATCTGTGGGGCCACAGCCCCTCTA-3'
Protein context (NP_065099.3, residues 646-666): GDTQPTTFCT[Tyr656Cys]SFYDFETHCT